The following is an entry in ClinVar:

NM_017946.4(FKBP14):c.362dup (p.Glu122fs)

Genes: FKBP14 (FKBP prolyl isomerase 14; minus strand), FKBP14-AS1 (FKBP14 antisense RNA 1; plus strand). Cytogenetic location: 7p14.3.
Variant type: Duplication.
Coding change: c.362dup on transcript NM_017946.4 (MANE Select); coding-DNA position 362, one base duplicated (C; older notation c.362dupC).
Protein change: p.Glu122fs; shifts the reading frame from glutamic acid 122.
Molecular consequence: frameshift variant. On other transcripts: non-coding transcript variant (2).
Genome position (GRCh38, 1-based): chr7:30,019,111, G duplicated on the plus strand (C on the coding strand, the reverse complement: FKBP14 is on the minus strand); the first of 5 consecutive G bases (chr7:30,019,111-30,019,115); duplicating any one gives the same sequence. VCF-style (leftmost placement, unchanged base first): chr7-30019110-T-TG. GRCh37 (hg19) VCF-style: chr7-30058726-T-TG.
Other names: p.Glu122fs; c.362dup (LRG_454t1); c.362dupC (NM_017946.3); short protein forms E122fs.
Identifiers: ClinVar variation 279809 (VCV000279809.93), dbSNP rs542489955, ClinGen allele CA4203419.

ClinVar aggregate classification (germline): Pathogenic/Likely pathogenic. Review status: criteria provided, multiple submitters, no conflicts (2 of 4 stars). 36 submissions from 35 submitters: Pathogenic (26); Likely pathogenic (2). 8 of the submissions do not count toward it. Last evaluated 2026-03-05.

Conditions:
FKBP14-related disorders.
FKBP14-related disorder. Also called: FKBP14-related condition.
Cardiovascular phenotype. Identifiers: MedGen CN230736.
Ehlers-Danlos syndrome, kyphoscoliotic type, 2. Also called: Ehlers-Danlos syndrome with progressive kyphoscoliosis, myopathy, and hearing loss; FKBP14-Kyphoscoliotic Ehlers-Danlos Syndrome; Ehlers-Danlos syndrome, kyphoscoliotic and deafness type. Identifiers: Orphanet 300179, MedGen C3281160, MONDO:0013800, OMIM 614557.
Congenital muscular dystrophy. Identifiers: Orphanet 97242, MedGen C0699743, MONDO:0019950. Disease mechanism: loss of function.
Pes valgus. Identifiers: MedGen C1578482, HP:0008081.
Hypotonia. Also called: Muscular hypotonia; poor muscle tone. Identifiers: MedGen C0026827, HP:0001252.
Joint hypermobility. Also called: Joint hyperflexibility. Identifiers: MedGen C1862377, HP:0001382.
Thoracolumbar scoliosis. Identifiers: MedGen C0749379, HP:0002944.

Submissions 1 to 13 of 36:

PreventionGenetics, part of Exact Sciences
Classification: Pathogenic for FKBP14-related condition. Last evaluated: 2026-03-05. Review status: criteria provided, single submitter. Criteria: ACMG Guidelines, 2015. Collection method: clinical testing. Allele origin: germline.
Comment: The FKBP14 c.362dupC variant is predicted to result in a frameshift and premature protein termination (p.Glu122Argfs*7). This variant has been reported in the homozygous state in many individuals with kyphoscoliotic Ehlers-Danlos syndrome (Giunta et al. 2018. PubMed ID: 28617417; Baumawnn et al. 2012. PubMed ID: 22265013; Bursztejn et al. 2017. PubMed ID: 27905128). This variant is reported in 0.11% of alleles in individuals of European (non-Finnish) descent in gnomAD. Frameshift variants in FKBP14 are expected to be pathogenic. This variant is interpreted as pathogenic.

Ambry Genetics
Classification: Pathogenic for Cardiovascular phenotype. Last evaluated: 2026-02-24. Review status: criteria provided, single submitter. Criteria: Ambry Variant Classification Scheme 2023. Collection method: clinical testing. Allele origin: germline.
Comment: The c.362dupC (p.E122Rfs*7) alteration, located in exon 3 (coding exon 3) of the FKBP14 gene, consists of a duplication of C at position 362, causing a translational frameshift with a predicted alternate stop codon after 7 amino acids. This variant is expected to result in loss of function by premature protein truncation or nonsense-mediated mRNA decay. Based on data from gnomAD, the CC allele has an overall frequency of 0.061% (147/239260) total alleles studied. The highest observed frequency was 0.111% (128/114868) of European (non-Finnish) alleles. This variant has been reported in multiple individuals with autosomal recessive Ehlers-Danlos syndrome, kyphoscoliotic type 2 (kEDS), including homozygous and compound heterozygous cases (Baumann, 2012; Murray, 2014; Dordoni, 2016; Bursztejn, 2017; Giunta, 2018). Fibroblast and mRNA studies from affected individuals showed absent and significantly reduced expression, respectively (Baumann, 2012). Based on the available evidence, this alteration is classified as pathogenic.

Labcorp Genetics (formerly Invitae), Labcorp
Classification: Pathogenic for Ehlers-Danlos syndrome, kyphoscoliotic type, 2. Last evaluated: 2026-01-29. Review status: criteria provided, single submitter. Criteria: Invitae Variant Classification Sherloc (09022015). Collection method: clinical testing. Allele origin: germline.
Comment: This sequence change creates a premature translational stop signal (p.Glu122Argfs*7) in the FKBP14 gene. It is expected to result in an absent or disrupted protein product. Loss-of-function variants in FKBP14 are known to be pathogenic (PMID: 22265013). This variant is present in population databases (rs542489955, gnomAD 0.1%), and has an allele count higher than expected for a pathogenic variant. This premature translational stop signal has been observed in individuals with Ehlers-Danlos syndrome (PMID: 22265013, 24677762, 27149304). It has also been observed to segregate with disease in related individuals. ClinVar contains an entry for this variant (Variation ID: 279809). For these reasons, this variant has been classified as Pathogenic.

3billion
Classification: Pathogenic for Ehlers-Danlos syndrome, kyphoscoliotic type, 2. Last evaluated: 2025-12-21. Review status: criteria provided, single submitter. Criteria: ACMG Guidelines, 2015. Collection method: clinical testing. Allele origin: germline. Affected: yes.
Comment: The variant is observed at an extremely low frequency in the gnomAD v4.1.0 dataset (total allele frequency: 0.070%). Predicted Consequence/Location: Frameshift: predicted to result in a loss or disruption of normal protein function through nonsense-mediated decay (NMD) or protein truncation. Multiple pathogenic variants are reported downstream of the variant. The variant has been reported at least twice as pathogenic with clinical assertions and evidence for the classification (ClinVar ID: VCV000279809 /PMID: 22265013). Therefore, this variant is classified as Pathogenic according to the recommendation of ACMG/AMP guideline.

Mayo Clinic Laboratories, Mayo Clinic
Classification: Pathogenic. Last evaluated: 2025-12-09. Review status: criteria provided, single submitter. Criteria: ACMG Guidelines, 2015. Collection method: clinical testing. Allele origin: germline. Observed: 13 variant alleles.
Comment: PP1, PP4, PM3_strong, PVS1

CeGaT Center for Human Genetics Tuebingen
Classification: Pathogenic. Last evaluated: 2025-12-01. Review status: criteria provided, single submitter. Criteria: CeGaT Center For Human Genetics Tuebingen Variant Classification Criteria Version 2. Collection method: clinical testing. Allele origin: germline. Affected: yes. Observed: 9 variant alleles.
Comment: FKBP14: PVS1, PM3:Strong, PM2

Dasa
Classification: Pathogenic. Last evaluated: 2025-11-14. Review status: criteria provided, single submitter. Criteria: DASA Assertion Criteria. Collection method: clinical testing. Allele origin: germline.
Comment: NM_017946.4(FKBP14):c.362dup (p.Glu122ArgfsTer7) introduces a premature termination codon predicted to result in loss of normal protein function. Loss-of-function is an established mechanism of disease for this gene. This variant has been recurrently observed in affected individuals with related phenotype in a genotype context consistent with recessive disease (PMID: 27149304; PMID: 22265013; PMID: 30561154). Functional evidence supports a deleterious effect on the gene or gene product (PMID: 27149304; PMID: 22265013; PMID: 30561154). The variant is present at low frequency in population datasets. Based on the available data, this variant is classified as pathogenic.

Clinical Genetics Laboratory, University Hospital Schleswig-Holstein
Classification: Pathogenic for Ehlers-Danlos syndrome, kyphoscoliotic type, 2. Last evaluated: 2025-11-03. Review status: criteria provided, single submitter. Criteria: ACMG Guidelines, 2015. Collection method: clinical testing. Allele origin: germline. Affected: yes. Observed: 1 homozygote.
Comment: ACMG criteria applied: PS4, PM3, PVS1, PS3_Supporting

Laboratory of Genetics, Children's Clinical University Hospital Latvia
Classification: Pathogenic. Last evaluated: 2025-02-16. Review status: criteria provided, single submitter. Criteria: ACMG Guidelines, 2015. Collection method: clinical testing. Allele origin: germline. Affected: yes.

Blueprint Genetics
Classification: Pathogenic for FKBP14-related disorders. Last evaluated: 2024-10-03. Review status: criteria provided, single submitter. Criteria: ACMG Guidelines, 2015. Collection method: clinical testing. Allele origin: germline. Affected: yes. Observed: 5 variant alleles.

Molecular Diagnostic Laboratory for Inherited Cardiovascular Disease, Montreal Heart Institute
Classification: Pathogenic for Cardiovascular phenotype. Last evaluated: 2024-08-29. Review status: criteria provided, single submitter. Criteria: ACMG Guidelines, 2015. Collection method: clinical testing. Allele origin: germline. Affected: yes.
Comment: PVS1, PS4, PM2, PM3

Laboratory Cellgenetics, GMDL Cellgenetics
Classification: Pathogenic for Ehlers-Danlos syndrome, kyphoscoliotic type, 2. Last evaluated: 2024-02-20. Review status: criteria provided, single submitter. Criteria: ACMG Guidelines, 2015. Collection method: clinical testing. Allele origin: maternal. Inheritance: Autosomal recessive inheritance. Affected: yes. Observed: 1 variant allele, 1 compound heterozygote.
Comment: PVS1, PS4, PM2

Women's Health and Genetics/Laboratory Corporation of America, LabCorp
Classification: Pathogenic for Ehlers-Danlos syndrome, kyphoscoliotic type, 2. Last evaluated: 2023-09-08. Review status: criteria provided, single submitter. Criteria: LabCorp Variant Classification Summary - May 2015. Collection method: clinical testing. Allele origin: germline.
Comment: Variant summary: FKBP14 c.362dupC (p.Glu122ArgfsX7) results in a premature termination codon, predicted to cause a truncation of the encoded protein or absence of the protein due to nonsense mediated decay, which are commonly known mechanisms for disease. The variant allele was found at a frequency of 0.00055 in 207878 control chromosomes. This frequency is not significantly higher than estimated for a pathogenic variant in FKBP14 causing Ehlers-Danlos Syndrome, Kyphoscoliotic And Deafness Type. c.362dupC has been reported in the literature in multiple individuals affected with Ehlers-Danlos Syndrome, Kyphoscoliotic And Deafness Type (e.g., Colman_2022). These data indicate that the variant is very likely to be associated with disease. The following publication has been ascertained in the context of this evaluation (PMID: 36054293). 20 submitters have cited clinical-significance assessments for this variant to ClinVar after 2014, and all submitters classified the variant as pathogenic/likely pathogenic. Based on the evidence outlined above, the variant was classified as pathogenic.